The following is an entry in ClinVar:

NM_013432.5(TONSL):c.1124A>C (p.Tyr375Ser)

Gene: TONSL (tonsoku like, DNA repair protein; minus strand). Cytogenetic location: 8q24.3.
Variant type: single nucleotide variant.
Coding change: c.1124A>C on transcript NM_013432.5 (MANE Select); coding-DNA position 1124, A replaced by C.
Protein change: p.Tyr375Ser; replaces tyrosine 375 with serine.
Molecular consequence: missense variant.
Genome position (GRCh38, 1-based): chr8:144,440,758, T>G on the plus strand (A>C on the coding strand, the complement: TONSL is on the minus strand). VCF-style: chr8-144440758-T-G. GRCh37 (hg19) VCF-style: chr8-145666141-T-G.
Other names: short protein forms Y375S.
Identifiers: ClinVar variation 1966800 (VCV001966800.4), dbSNP rs1214661399, ClinGen allele CA372670570.

ClinVar aggregate classification (germline): Uncertain significance (1 of 4 stars; one submission).

Submission:

Labcorp Genetics (formerly Invitae), Labcorp
Classification: Uncertain significance. Last evaluated: 2022-02-05. Review status: criteria provided, single submitter. Criteria: Invitae Variant Classification Sherloc (09022015). Collection method: clinical testing. Allele origin: germline.
Comment: This variant has not been reported in the literature in individuals affected with TONSL-related conditions. In summary, the available evidence is currently insufficient to determine the role of this variant in disease. Therefore, it has been classified as a Variant of Uncertain Significance. Algorithms developed to predict the effect of missense changes on protein structure and function are either unavailable or do not agree on the potential impact of this missense change (SIFT: "Deleterious"; PolyPhen-2: "Probably Damaging"; Align-GVGD: "Class C0"). This variant is not present in population databases (gnomAD no frequency). This sequence change replaces tyrosine, which is neutral and polar, with serine, which is neutral and polar, at codon 375 of the TONSL protein (p.Tyr375Ser).